The following is an entry in ClinVar:

NM_001754.5(RUNX1):c.1015C>T (p.Leu339=)

Gene: RUNX1 (RUNX family transcription factor 1; minus strand). Cytogenetic location: 21q22.12.
Variant type: single nucleotide variant.
Coding change: c.1015C>T on transcript NM_001754.5 (MANE Select); coding-DNA position 1015, C replaced by T.
Protein change: p.Leu339=; no amino-acid change (leucine 339 retained).
Molecular consequence: synonymous variant.
Genome position (GRCh38, 1-based): chr21:34,792,563, G>A on the plus strand (C>T on the coding strand, the complement: RUNX1 is on the minus strand). VCF-style: chr21-34792563-G-A. GRCh37 (hg19) VCF-style: chr21-36164860-G-A.
Other names: NM_001754.5(RUNX1):c.1015C>T; p.Leu339=; c.934C>T, p.Leu312= (NM_001001890.3); c.1015C>T (NM_001754.4).
Identifiers: ClinVar variation 1142095 (VCV001142095.14), dbSNP rs1418195365, ClinGen allele CA512341371.

ClinVar aggregate classification (germline): Likely benign. Review status: reviewed by expert panel (3 of 4 stars). 3 submissions from 3 submitters: Likely benign (1). 2 of the submissions do not count toward it. Last evaluated 2026-04-29.

Conditions:
Hereditary thrombocytopenia and hematological cancer predisposition syndrome associated with RUNX1. Also called: Familial Platelet Disorder with Propensity to Acute Myelogenous Leukemia; Familial thrombocytopenia with propensity to acute myelogenous leukemia; PLATELET DISORDER, ASPIRIN-LIKE; RUNX1 Familial Platelet Disorder with Associated Myeloid Malignancies. Identifiers: Orphanet 71290, MedGen C1832388, MeSH C563324, MONDO:0100083, OMIM 601399.
Hereditary thrombocytopenia and hematologic cancer predisposition syndrome. Identifiers: Orphanet 71290, MedGen CN281654, MONDO:0011071.
Inborn genetic diseases. Identifiers: MedGen C0950123, MeSH D030342.

Allele frequency attached by ClinVar (database versions not stated): gnomAD exomes below 0.00001.
gnomAD v4.1: 2 of 1,606,846 alleles (0.00012%); highest among the groups gnomAD compares: African/African-American, 0.0013%; no homozygotes.

Submissions (3):

ClinGen Myeloid Malignancy Variant Curation Expert Panel
Classification: Likely benign for Hereditary thrombocytopenia and hematologic cancer predisposition syndrome. Last evaluated: 2026-04-29. Review status: reviewed by expert panel. Criteria: ClinGen MyeloMalig ACMG Specifications V3.1. Collection method: curation. Allele origin: germline. Inheritance: Autosomal dominant inheritance.
Comment: NM_001754.5(RUNX1):c.1015C>T (p.Leu339=) is a synonymous variant which has a SpliceAI score ≤ 0.20 (0.0) (BP4, BP7). This variant has a MAF ≤ 0.00005 in gnomAD v4 across all subpopulations with at least 20X coverage for RUNX1 (PM2_supporting). In summary, this variant meets criteria to be classified as likely benign. ACMG/AMP criteria applied, as specified by the Myeloid Malignancy Variant Curation Expert Panel for RUNX1: BP4, BP7, PM2_supporting.

Ambry Genetics
Classification: Likely benign for Inborn genetic diseases. Last evaluated: 2025-09-17. Review status: criteria provided, single submitter. Criteria: Ambry Variant Classification Scheme 2023. Collection method: clinical testing. Allele origin: germline. Not counted in ClinVar's aggregate classification.

Labcorp Genetics (formerly Invitae), Labcorp
Classification: Likely benign for Hereditary thrombocytopenia and hematological cancer predisposition syndrome associated with RUNX1. Last evaluated: 2024-05-23. Review status: criteria provided, single submitter. Criteria: Invitae Variant Classification Sherloc (09022015). Collection method: clinical testing. Allele origin: germline. Not counted in ClinVar's aggregate classification.